The following is an entry in ClinVar:

NM_000038.6(APC):c.5027G>A (p.Arg1676Lys)

Gene: APC (APC regulator of Wnt signaling pathway; plus strand). Cytogenetic location: 5q22.2.
Variant type: single nucleotide variant.
Coding change: c.5027G>A on transcript NM_000038.6 (MANE Select); coding-DNA position 5027, G replaced by A.
Protein change: p.Arg1676Lys; replaces arginine 1676 with lysine.
Molecular consequence: missense variant.
Genome position (GRCh38, 1-based): chr5:112,840,621, G>A. VCF-style: chr5-112840621-G-A. GRCh37 (hg19) VCF-style: chr5-112176318-G-A.
Other names: c.5027G>A, p.Arg1676Lys (NM_001127510.3, NM_001354895.2); c.4973G>A, p.Arg1658Lys (NM_001127511.3); c.5081G>A, p.Arg1694Lys (NM_001354896.2); c.5057G>A, p.Arg1686Lys (NM_001354897.2); c.4952G>A, p.Arg1651Lys (NM_001354898.2); c.4943G>A, p.Arg1648Lys (NM_001354899.2); c.4904G>A, p.Arg1635Lys (NM_001354900.2); c.4850G>A, p.Arg1617Lys (NM_001354901.2); and 5 more; short protein forms R1658K, R1676K, R1575K, R1585K, R1648K, R1393K, R1516K, R1617K.
Identifiers: ClinVar variation 489461 (VCV000489461.18), dbSNP rs143674116, ClinGen allele CA16032327.

ClinVar aggregate classification (germline): Uncertain significance. Review status: criteria provided, multiple submitters, no conflicts (2 of 4 stars). 4 submissions from 4 submitters: Uncertain significance (4). Last evaluated 2025-04-13.

Conditions:
Familial adenomatous polyposis 1 (FAP1). Also called: POLYPOSIS, ADENOMATOUS INTESTINAL; FAMILIAL ADENOMATOUS POLYPOSIS 1, ATTENUATED. Identifiers: MedGen C2713442, MONDO:0021056, OMIM 175100. Disease mechanism: loss of function.
Hereditary cancer-predisposing syndrome. Also called: Hereditary Cancer Syndrome; Neoplastic Syndromes, Hereditary; Tumor predisposition; Hereditary neoplastic syndrome. Identifiers: Orphanet 140162, MedGen C0027672, MeSH D009386, MONDO:0015356.

gnomAD v4.1: 1 of 1,614,048 alleles (0.000062%); no homozygotes.

Submissions (4):

Labcorp Genetics (formerly Invitae), Labcorp
Classification: Uncertain significance for Familial adenomatous polyposis 1. Last evaluated: 2025-04-13. Review status: criteria provided, single submitter. Criteria: Invitae Variant Classification Sherloc (09022015). Collection method: clinical testing. Allele origin: germline.
Comment: This sequence change replaces arginine, which is basic and polar, with lysine, which is basic and polar, at codon 1676 of the APC protein (p.Arg1676Lys). This variant is not present in population databases (gnomAD no frequency). This variant has not been reported in the literature in individuals affected with APC-related conditions. ClinVar contains an entry for this variant (Variation ID: 489461). Invitae Evidence Modeling of protein sequence and biophysical properties (such as structural, functional, and spatial information, amino acid conservation, physicochemical variation, residue mobility, and thermodynamic stability) indicates that this missense variant is not expected to disrupt APC protein function with a negative predictive value of 95%. In summary, the available evidence is currently insufficient to determine the role of this variant in disease. Therefore, it has been classified as a Variant of Uncertain Significance.

Ambry Genetics
Classification: Uncertain significance for Hereditary cancer-predisposing syndrome. Last evaluated: 2022-07-18. Review status: criteria provided, single submitter. Criteria: Ambry Variant Classification Scheme 2023. Collection method: clinical testing. Allele origin: germline.
Comment: The p.R1676K variant (also known as c.5027G>A), located in coding exon 15 of the APC gene, results from a G to A substitution at nucleotide position 5027. The arginine at codon 1676 is replaced by lysine, an amino acid with highly similar properties. This amino acid position is not well conserved in available vertebrate species. In addition, in silico predictors for this gene do not accurately predict pathogenicity. Since supporting evidence is limited at this time, the clinical significance of this alteration remains unclear.

Quest Diagnostics Nichols Institute San Juan Capistrano
Classification: Uncertain significance. Last evaluated: 2021-01-07. Review status: criteria provided, single submitter. Criteria: Quest Diagnostics criteria. Collection method: clinical testing. Allele origin: unknown.

Color Diagnostics, LLC DBA Color Health
Classification: Uncertain significance for Hereditary cancer-predisposing syndrome. Last evaluated: 2019-06-21. Review status: criteria provided, single submitter. Criteria: ACMG Guidelines, 2015. Collection method: clinical testing. Allele origin: germline.